The following is an entry in ClinVar:

NM_032242.4(PLXNA1):c.1487A>C (p.His496Pro)

Gene: PLXNA1 (plexin A1; plus strand). Cytogenetic location: 3q21.3.
Variant type: single nucleotide variant.
Coding change: c.1487A>C on transcript NM_032242.4 (MANE Select); coding-DNA position 1487, A replaced by C.
Protein change: p.His496Pro; replaces histidine 496 with proline.
Molecular consequence: missense variant.
Genome position (GRCh38, 1-based): chr3:127,003,439, A>C. VCF-style: chr3-127003439-A-C. GRCh37 (hg19) VCF-style: chr3-126722282-A-C.
Other names: short protein forms H496P.
Identifiers: ClinVar variation 4995155 (VCV004995155.1).

ClinVar aggregate classification (germline): Uncertain significance (1 of 4 stars; one submission).

Conditions:
PLXNA1-related disorder. Also called: PLXNA1-related condition.

Submission:

PreventionGenetics, part of Exact Sciences
Classification: Uncertain significance for PLXNA1-related condition. Last evaluated: 2026-02-12. Review status: criteria provided, single submitter. Criteria: ACMG Guidelines, 2015. Collection method: clinical testing. Allele origin: germline.
Comment: The PLXNA1 c.1487A>C variant is predicted to result in the amino acid substitution p.His496Pro. To our knowledge, this variant has not been reported in the literature or in a large population database (gnomAD), indicating this variant is rare. At this time, the clinical significance of this variant is uncertain due to the absence of conclusive functional and genetic evidence.